The following is an entry in ClinVar:

NM_004928.3(CFAP410):c.642+242G>C

Gene: CFAP410 (cilia and flagella associated protein 410; minus strand). Cytogenetic location: 21q22.3.
Variant type: single nucleotide variant.
Coding change: c.642+242G>C on transcript NM_004928.3 (MANE Select); 242 bases into the intron after coding-DNA position 642, G replaced by C.
Molecular consequence: intron variant. On other transcripts: missense variant (1).
Genome position (GRCh38, 1-based): chr21:44,330,581, C>G on the plus strand (G>C on the coding strand, the complement: CFAP410 is on the minus strand). VCF-style: chr21-44330581-C-G. GRCh37 (hg19) VCF-style: chr21-45750464-C-G.
Other names: c.881G>C (NM_001271441.1); c.881G>C, p.Trp294Ser (NM_001271441.2); c.639+242G>C (NM_001271440.2); c.516+242G>C (NM_001271442.1); short protein forms W294S.
Identifiers: ClinVar variation 4946464 (VCV004946464.2).

ClinVar aggregate classification (germline): Conflicting classifications of pathogenicity. Review status: criteria provided, conflicting classifications (1 of 4 stars). 2 submissions from 2 submitters: Uncertain significance (1); Likely benign (1). Last evaluated 2026-03-25.

Conditions:
CFAP410-related disorder. Also called: CFAP410-related condition.

gnomAD v4.1: 354 of 1,549,774 alleles (0.023%); highest among the groups gnomAD compares: Middle Eastern, 0.4%; no homozygotes.

Submissions (2):

PreventionGenetics, part of Exact Sciences
Classification: Uncertain significance for CFAP410-related condition. Last evaluated: 2026-03-25. Review status: criteria provided, single submitter. Criteria: ACMG Guidelines, 2015. Collection method: clinical testing. Allele origin: germline.
Comment: The CFAP410 c.881G>C variant is predicted to result in the amino acid substitution p.Trp294Ser. To our knowledge, this variant has not been reported in the literature. This variant is reported in 0.030% of alleles in individuals of European (Non-Finnish) descent in gnomAD. At this time, the clinical significance of this variant is uncertain due to the absence of conclusive functional and genetic evidence.

Blueprint Genetics
Classification: Likely benign. Last evaluated: 2024-10-31. Review status: criteria provided, single submitter. Criteria: ACMG Guidelines, 2015. Collection method: clinical testing. Allele origin: germline.